The following is an entry in ClinVar:

NM_000362.5(TIMP3):c.593G>A (p.Trp198Ter)

Genes: SYN3 (synapsin III; minus strand), TIMP3 (TIMP metallopeptidase inhibitor 3; plus strand). Cytogenetic location: 22q12.3.
Variant type: single nucleotide variant.
Coding change: c.593G>A on transcript NM_000362.5 (MANE Select); coding-DNA position 593, G replaced by A.
Protein change: p.Trp198Ter; replaces tryptophan 198 with a stop codon.
Molecular consequence: nonsense. On other transcripts: intron variant (7).
Genome position (GRCh38, 1-based): chr22:32,859,334, G>A. VCF-style: chr22-32859334-G-A. GRCh37 (hg19) VCF-style: chr22-33255321-G-A.
Other names: c.708+5581C>T (NM_001369909.1, NM_001135774.2, NM_001369910.1); c.711+5581C>T (NM_001369907.1, NM_003490.4, NM_001369908.1 and 1 more transcripts); short protein forms W198*.
Identifiers: ClinVar variation 1463679 (VCV001463679.6), dbSNP rs2146297177, ClinGen allele CA411540471.

ClinVar aggregate classification (germline): Uncertain significance (1 of 4 stars; one submission).

Allele frequency attached by ClinVar (database versions not stated): gnomAD exomes below 0.00001.
gnomAD v4.1: 2 of 1,613,448 alleles (0.00012%); highest among the groups gnomAD compares: Non-Finnish European, 0.00017%; no homozygotes.

Submission:

Labcorp Genetics (formerly Invitae), Labcorp
Classification: Uncertain significance. Last evaluated: 2021-07-29. Review status: criteria provided, single submitter. Criteria: Invitae Variant Classification Sherloc (09022015). Collection method: clinical testing. Allele origin: germline.
Comment: In summary, the available evidence is currently insufficient to determine the role of this variant in disease. Therefore, it has been classified as a Variant of Uncertain Significance. This variant has not been reported in the literature in individuals affected with TIMP3-related conditions. This variant is not present in population databases (ExAC no frequency). This sequence change creates a premature translational stop signal (p.Trp198*) in the TIMP3 gene. While this is not anticipated to result in nonsense mediated decay, it is expected to disrupt the last 14 amino acid(s) of the TIMP3 protein.